The following is an entry in ClinVar:

ClinVar aggregate classification (germline): Likely pathogenic (1 of 4 stars; one submission).

Conditions:
Intellectual disability. Also called: Intellectual developmental disorder; Intellectual functioning disability; intellectual disabilities. Identifiers: MedGen C3714756, MeSH D008607, MONDO:0001071, HP:0001249.

Submission:

Clinical Genetics Laboratory, Skane University Hospital Lund
Classification: Likely pathogenic for Intellectual disability. Last evaluated: 2025-03-06. Review status: criteria provided, single submitter. Criteria: ACMG Guidelines, 2015. Collection method: clinical testing. Allele origin: de novo. Inheritance: Autosomal dominant inheritance. Affected: yes.
Comment: PS2, PM2, PP3

NM_024665.7(TBL1XR1):c.865-7A>G

Genes: TBL1XR1 (TBL1X/Y related 1; minus strand), TBL1XR1-AS1 (TBL1XR1 antisense RNA 1; plus strand). Cytogenetic location: 3q26.32.
Variant type: single nucleotide variant.
Coding change: c.865-7A>G on transcript NM_024665.7 (MANE Select); 7 bases into the intron before coding-DNA position 865, A replaced by G.
Molecular consequence: intron variant.
Genome position (GRCh38, 1-based): chr3:177,046,196, T>C on the plus strand (A>G on the coding strand, the complement: TBL1XR1 is on the minus strand). VCF-style: chr3-177046196-T-C. GRCh37 (hg19) VCF-style: chr3-176763984-T-C.
Other names: c.865-7A>G (NM_001374327.1, NM_001321194.3, NM_001321193.3 and 2 more transcripts); c.604-7A>G (NM_001374330.1, NM_001321195.3).
Identifiers: ClinVar variation 3767140 (VCV003767140.1).